The following is an entry in ClinVar:

ClinVar aggregate classification (germline): Likely benign (1 of 4 stars; one submission).

Allele frequency attached by ClinVar (database versions not stated): gnomAD 0.00410 and 0.00441; TOPMed 0.00427; 1000 Genomes Project 0.00519; 1000 Genomes Project 30x 0.00578.
gnomAD v4.1: 1,125 of 1,461,062 alleles (0.077%); highest among the groups gnomAD compares: African/African-American, 1.5%; 6 homozygotes.

Submission:

GeneDx
Classification: Likely benign. Last evaluated: 2018-06-16. Review status: criteria provided, single submitter. Criteria: GeneDx Variant Classification (06012015). Collection method: clinical testing. Allele origin: germline. Affected: yes.
Comment: This variant is considered likely benign or benign based on one or more of the following criteria: it is a conservative change, it occurs at a poorly conserved position in the protein, it is predicted to be benign by multiple in silico algorithms, and/or has population frequency not consistent with disease.

NM_024876.4(COQ8B):c.368-69G>A

Gene: COQ8B (coenzyme Q8B; minus strand). Cytogenetic location: 19q13.2.
Variant type: single nucleotide variant.
Coding change: c.368-69G>A on transcript NM_024876.4 (MANE Select); 69 bases into the intron before coding-DNA position 368, G replaced by A.
Molecular consequence: intron variant.
Genome position (GRCh38, 1-based): chr19:40,705,516, C>T on the plus strand (G>A on the coding strand, the complement: COQ8B is on the minus strand). VCF-style: chr19-40705516-C-T. GRCh37 (hg19) VCF-style: chr19-41211421-C-T.
Other names: c.368-335G>A (NM_001142555.3).
Identifiers: ClinVar variation 675509 (VCV000675509.1), dbSNP rs144521488, ClinGen allele CA308446087.
Genomic context (GRCh38, chr19:40,705,516, plus strand): 5'-AGAACAACCATTAGAATTATAACCACAAATATCATCACTGCGGCCAGGCCCGGCGGCCCA[C>T]GCCTGTAATCCCAGCACTTTGGGAGACCCAGGCGGGATGAACACAGGAGTCTGAGACCAG-3'